The following is an entry in ClinVar:

ClinVar aggregate classification (germline): Uncertain significance (1 of 4 stars; one submission).

gnomAD v4.1: 6 of 1,613,530 alleles (0.00037%); highest among the groups gnomAD compares: South Asian, 0.0011%; no homozygotes.

Submission:

Labcorp Genetics (formerly Invitae), Labcorp
Classification: Uncertain significance. Last evaluated: 2025-12-15. Review status: criteria provided, single submitter. Criteria: Invitae Variant Classification Sherloc (09022015). Collection method: clinical testing. Allele origin: germline.
Comment: This sequence change replaces isoleucine, which is neutral and non-polar, with threonine, which is neutral and polar, at codon 120 of the TMPRSS15 protein (p.Ile120Thr). This variant is not present in population databases (gnomAD no frequency). This variant has not been reported in the literature in individuals affected with TMPRSS15-related conditions. An algorithm developed to predict the effect of missense changes on protein structure and function outputs the following: PolyPhen-2: "Benign". The threonine amino acid residue is found in multiple mammalian species, which suggests that this missense change does not adversely affect protein function. In summary, the available evidence is currently insufficient to determine the role of this variant in disease. Therefore, it has been classified as a Variant of Uncertain Significance.

NM_002772.3(TMPRSS15):c.359T>C (p.Ile120Thr)

Gene: TMPRSS15 (transmembrane serine protease 15; minus strand). Cytogenetic location: 21q21.1.
Variant type: single nucleotide variant.
Coding change: c.359T>C on transcript NM_002772.3 (MANE Select); coding-DNA position 359, T replaced by C.
Protein change: p.Ile120Thr; replaces isoleucine 120 with threonine.
Molecular consequence: missense variant.
Genome position (GRCh38, 1-based): chr21:18,383,764, A>G on the plus strand (T>C on the coding strand, the complement: TMPRSS15 is on the minus strand). VCF-style: chr21-18383764-A-G. GRCh37 (hg19) VCF-style: chr21-19756081-A-G.
Other names: c.449T>C, p.Ile150Thr (NM_001428056.1); c.359T>C, p.Ile120Thr (NM_001428057.1); short protein forms I150T, I120T.
Identifiers: ClinVar variation 4760285 (VCV004760285.1).
Genomic context (GRCh38, chr21:18,383,764, plus strand): 5'-AGTTCTTCTTTTACATTTTCATCTGACACCCACTGGGCAAAGAAAAGGTCAAATACGACT[A>G]TAATGCTGCCATTTCTGCAAAGCAAAAGAGGATATAAGAGGAAAAAGTCAGCCATCTTCC-3'
Protein context (NP_002763.3, residues 110-130): RVLQFENGSI[Ile120Thr]VVFDLFFAQW